The following is an entry in ClinVar:

NM_000051.4(ATM):c.856C>A (p.Gln286Lys)

Gene: ATM (ATM serine/threonine kinase; plus strand). Cytogenetic location: 11q22.3.
Variant type: single nucleotide variant.
Coding change: c.856C>A on transcript NM_000051.4 (MANE Select); coding-DNA position 856, C replaced by A.
Protein change: p.Gln286Lys; replaces glutamine 286 with lysine.
Molecular consequence: missense variant.
Genome position (GRCh38, 1-based): chr11:108,244,981, C>A. VCF-style: chr11-108244981-C-A. GRCh37 (hg19) VCF-style: chr11-108115708-C-A.
Other names: c.856C>A, p.Gln286Lys (NM_001351834.2); short protein forms Q286K.
Identifiers: ClinVar variation 2858147 (VCV002858147.3), dbSNP rs2135242925, ClinGen allele CA382529489.

ClinVar aggregate classification (germline): Uncertain significance (1 of 4 stars; one submission).

Conditions:
Ataxia-telangiectasia syndrome (AT). Also called: LOUIS-BAR SYNDROME; Cerebello-oculocutaneous telangiectasia; Immunodeficiency with ataxia telangiectasia; Ataxia telangiectasia (A-T); ATAXIA-TELANGIECTASIA, COMPLEMENTATION GROUP A; ATAXIA-TELANGIECTASIA, FRESNO VARIANT. Identifiers: Orphanet 100, MedGen C0004135, MONDO:0008840, OMIM 208900.

Submission:

Labcorp Genetics (formerly Invitae), Labcorp
Classification: Uncertain significance for Ataxia-telangiectasia syndrome. Last evaluated: 2023-04-22. Review status: criteria provided, single submitter. Criteria: Invitae Variant Classification Sherloc (09022015). Collection method: clinical testing. Allele origin: germline.
Comment: In summary, the available evidence is currently insufficient to determine the role of this variant in disease. Therefore, it has been classified as a Variant of Uncertain Significance. An algorithm developed to predict the effect of missense changes on protein structure and function (PolyPhen-2) suggests that this variant is likely to be disruptive. This variant has not been reported in the literature in individuals affected with ATM-related conditions. This variant is not present in population databases (gnomAD no frequency). This sequence change replaces glutamine, which is neutral and polar, with lysine, which is basic and polar, at codon 286 of the ATM protein (p.Gln286Lys).